The following is an entry in ClinVar:

ClinVar aggregate classification (germline): Pathogenic/Likely pathogenic. Review status: criteria provided, multiple submitters, no conflicts (2 of 4 stars). 2 submissions from 2 submitters: Pathogenic (1); Likely pathogenic (1). Last evaluated 2024-05-20.

Conditions:
Marfan syndrome (MFS). Also called: MARFAN SYNDROME, TYPE I; FBN1-Related Marfan Syndrome; Marfan syndrome type 1; Marfan's syndrome; Marfan syndrome, classic. Identifiers: Orphanet 284963, Orphanet 558, MedGen C0024796, MONDO:0007947, OMIM 154700.
Familial thoracic aortic aneurysm and aortic dissection (TAAD). Also called: Thoracic aortic aneurysms and dissections. Identifiers: Orphanet 91387, MedGen C4707243, MONDO:0019625.

Submissions (2):

Labcorp Genetics (formerly Invitae), Labcorp
Classification: Pathogenic for Marfan syndrome; Familial thoracic aortic aneurysm and aortic dissection. Last evaluated: 2024-05-20. Review status: criteria provided, single submitter. Criteria: Invitae Variant Classification Sherloc (09022015). Collection method: clinical testing. Allele origin: germline.
Comment: This sequence change replaces cysteine, which is neutral and slightly polar, with arginine, which is basic and polar, at codon 1824 of the FBN1 protein (p.Cys1824Arg). This variant is not present in population databases (gnomAD no frequency). This missense change has been observed in individual(s) with clinical features of Marfan syndrome (Invitae). ClinVar contains an entry for this variant (Variation ID: 429594). Advanced modeling of protein sequence and biophysical properties (such as structural, functional, and spatial information, amino acid conservation, physicochemical variation, residue mobility, and thermodynamic stability) performed at Invitae indicates that this missense variant is expected to disrupt FBN1 protein function with a positive predictive value of 95%. This variant affects a cysteine residue in the EGF-like, TGFBP or hybrid motif domains of FBN1. Cysteine residues are believed to be involved in intramolecular disulfide bridges and have been shown to be important for FBN1 protein structure (PMID: 16905551, 19349279). In addition, missense substitutions affecting cysteine residues within these domains are significantly overrepresented among patients with Marfan syndrome (PMID: 16571647, 17701892). This variant disrupts the p.Cys1824 amino acid residue in FBN1. Other variant(s) that disrupt this residue have been observed in individuals with FBN1-related conditions (PMID: 19293843, 25652356), which suggests that this may be a clinically significant amino acid residue. For these reasons, this variant has been classified as Pathogenic.

GeneDx
Classification: Likely pathogenic. Last evaluated: 2019-01-03. Review status: criteria provided, single submitter. Criteria: GeneDx Variant Classification (06012015). Collection method: clinical testing. Allele origin: germline. Affected: yes.
Comment: The C1824R variant has not been published as a pathogenic variant, nor has it been reported as a benign variant to our knowledge. This variant was not observed in approximately 6,500 individuals of European and African American ancestry in the NHLBI Exome Sequencing Project, indicating it is not a common benign variant in these populations. The C1824R variant is a non-conservative amino acid substitution, which is likely to impact secondary protein structure as these residues differ in polarity, charge, size and/or other properties. This substitution occurs at a position that is conserved across species and in silico analysis predicts this variant is probably damaging to the protein structure/function. The C1824R variant affects a Cysteine residue within a calcium-binding EGF-like domain of the FBN1 gene, which may affect disulfide bonding and is predicted to alter the structure and function of the protein. Cysteine substitutions in the calcium-binding EGF-like domains represent the majority of pathogenic missense changes associated with Marfan syndrome (Collod-Beroud et al., 2003). Finally, missense variants in nearby residues (C1818G, C1818Y, N1826S, T1827P, S1830C) as well as a different missense variant affecting the same residue (C1824Y) have been reported in the Human Gene Mutation Database in association with Marfan syndrome (Stenson et al., 2014), further supporting the functional importance of this residue and region of the protein.Therefore, this variant is likely pathogenic; however, the possibility that it is benign cannot be excluded.

Literature cited by the submitters: PubMed 16905551 (cited by Labcorp Genetics (formerly Invitae), Labcorp); PubMed 19349279 (cited by Labcorp Genetics (formerly Invitae), Labcorp); PubMed 16571647 (cited by Labcorp Genetics (formerly Invitae), Labcorp); PubMed 17701892 (cited by Labcorp Genetics (formerly Invitae), Labcorp); PubMed 19293843 (cited by Labcorp Genetics (formerly Invitae), Labcorp); PubMed 25652356 (cited by Labcorp Genetics (formerly Invitae), Labcorp).

NM_000138.5(FBN1):c.5470T>C (p.Cys1824Arg)

Gene: FBN1 (fibrillin 1; minus strand). Cytogenetic location: 15q21.1.
Variant type: single nucleotide variant.
Coding change: c.5470T>C on transcript NM_000138.5 (MANE Select); coding-DNA position 5470, T replaced by C.
Protein change: p.Cys1824Arg; replaces cysteine 1824 with arginine.
Molecular consequence: missense variant.
Genome position (GRCh38, 1-based): chr15:48,452,637, A>G on the plus strand (T>C on the coding strand, the complement: FBN1 is on the minus strand). VCF-style: chr15-48452637-A-G. GRCh37 (hg19) VCF-style: chr15-48744834-A-G.
Other names: short protein forms C1824R.
Identifiers: ClinVar variation 429594 (VCV000429594.9), dbSNP rs1131691478, ClinGen allele CA392344307.